The following is an entry in ClinVar:

ClinVar aggregate classification (germline): Benign/Likely benign. Review status: criteria provided, multiple submitters, no conflicts (2 of 4 stars). 4 submissions from 4 submitters: Benign (2); Likely benign (1). 1 of the submissions does not count toward it. Last evaluated 2025-11-01.

Conditions:
GNAT1-related disorder. Also called: GNAT1-related condition.
Congenital stationary night blindness autosomal dominant 3. Also called: NIGHT BLINDNESS, CONGENITAL STATIONARY, NOUGARET TYPE. Identifiers: Orphanet 215, MedGen C1864870, MONDO:0012497, OMIM 610444.

Allele frequency attached by ClinVar (database versions not stated): gnomAD exomes 0.00197; ESP Exome Variant Server 0.00015; 1000 Genomes Project 30x 0.00016; 1000 Genomes Project 0.00020; TOPMed 0.00022; gnomAD 0.00155 and 0.00163; ExAC 0.00168.
gnomAD v4.1: 1,424 of 1,613,974 alleles (0.088%); highest among the groups gnomAD compares: Non-Finnish European, 0.021%; 7 homozygotes.

Submissions (4):

Labcorp Genetics (formerly Invitae), Labcorp
Classification: Benign. Last evaluated: 2025-11-01. Review status: criteria provided, single submitter. Criteria: Invitae Variant Classification Sherloc (09022015). Collection method: clinical testing. Allele origin: germline.

CeGaT Center for Human Genetics Tuebingen
Classification: Likely benign. Last evaluated: 2023-02-01. Review status: criteria provided, single submitter. Criteria: CeGaT Center For Human Genetics Tuebingen Variant Classification Criteria Version 2. Collection method: clinical testing. Allele origin: germline. Affected: yes. Observed: 1 variant allele.
Comment: GNAT1: BP4, BP7

Illumina Laboratory Services, Illumina
Classification: Benign for Congenital stationary night blindness autosomal dominant 3. Last evaluated: 2018-01-13. Review status: criteria provided, single submitter. Criteria: ICSL Variant Classification Criteria 13 December 2019. Collection method: clinical testing. Allele origin: germline.
Comment: This variant was observed in the ICSL laboratory as part of a predisposition screen in an ostensibly healthy population. It had not been previously curated by ICSL or reported in the Human Gene Mutation Database (HGMD: prior to June 1st, 2018), and was therefore a candidate for classification through an automated scoring system. Utilizing variant allele frequency, disease prevalence and penetrance estimates, and inheritance mode, an automated score was calculated to assess if this variant is too frequent to cause the disease. Based on the score and internal cut-off values, a variant classified as benign is not then subjected to further curation. The score for this variant resulted in a classification of benign for this disease.

PreventionGenetics, part of Exact Sciences
Classification: Benign for GNAT1-related condition. Last evaluated: 2019-08-12. Review status: no assertion criteria provided. Collection method: clinical testing. Allele origin: germline. Not counted in ClinVar's aggregate classification.
Comment: This variant is classified as benign based on ACMG/AMP sequence variant interpretation guidelines (Richards et al. 2015 PMID: 25741868, with internal and published modifications).

NM_144499.3(GNAT1):c.939G>A (p.Lys313=)

Gene: GNAT1 (G protein subunit alpha transducin 1; plus strand). Cytogenetic location: 3p21.31.
Variant type: single nucleotide variant.
Coding change: c.939G>A on transcript NM_144499.3 (MANE Select); coding-DNA position 939, G replaced by A.
Protein change: p.Lys313=; no amino-acid change (lysine 313 retained).
Molecular consequence: synonymous variant.
Genome position (GRCh38, 1-based): chr3:50,194,841, G>A. VCF-style: chr3-50194841-G-A. GRCh37 (hg19) VCF-style: chr3-50232274-G-A.
Other names: c.939G>A, p.Lys313= (NM_000172.4).
Identifiers: ClinVar variation 346055 (VCV000346055.37), dbSNP rs201551360, ClinGen allele CA2412772.